The following is an entry in ClinVar:

NM_012424.6(RPS6KC1):c.409A>G (p.Ile137Val)

Gene: RPS6KC1 (ribosomal protein S6 kinase C1; plus strand). Cytogenetic location: 1q32.3.
Variant type: single nucleotide variant.
Coding change: c.409A>G on transcript NM_012424.6 (MANE Select); coding-DNA position 409, A replaced by G.
Protein change: p.Ile137Val; replaces isoleucine 137 with valine.
Molecular consequence: missense variant. On other transcripts: 5 prime UTR variant (24), non-coding transcript variant (3), intron variant (3).
Genome position (GRCh38, 1-based): chr1:213,117,347, A>G. VCF-style: chr1-213117347-A-G. GRCh37 (hg19) VCF-style: chr1-213290689-A-G.
Other names: c.373A>G, p.Ile125Val (NM_001136138.4); c.-213A>G (NM_001287218.3, NM_001349650.2, NM_001349653.2 and 1 more transcripts); c.-135A>G (NM_001287219.3, NM_001287221.3, NM_001349648.2 and 1 more transcripts); c.-806A>G (NM_001287220.3, NM_001349666.2, NM_001349667.2 and 1 more transcripts); c.409A>G, p.Ile137Val (NM_001349646.2, NM_001349647.2); c.-334A>G (NM_001349651.2); c.-284A>G (NM_001349652.2); c.-120A>G (NM_001349658.2); and 9 more; short protein forms I125V, I137V.
Identifiers: ClinVar variation 2417986 (VCV002417986.6), dbSNP rs1191028149, ClinGen allele CA344809000.

ClinVar aggregate classification (germline): Uncertain significance (1 of 4 stars; one submission).

Allele frequency attached by ClinVar (database versions not stated): gnomAD exomes below 0.00001; TOPMed below 0.00001.
gnomAD v4.1: 2 of 1,609,376 alleles (0.00012%); highest among the groups gnomAD compares: East Asian, 0.0022%; no homozygotes.

Submission:

Labcorp Genetics (formerly Invitae), Labcorp
Classification: Uncertain significance. Last evaluated: 2024-11-11. Review status: criteria provided, single submitter. Criteria: Invitae Variant Classification Sherloc (09022015). Collection method: clinical testing. Allele origin: germline.
Comment: This sequence change replaces isoleucine, which is neutral and non-polar, with valine, which is neutral and non-polar, at codon 137 of the RPS6KC1 protein (p.Ile137Val). This variant is present in population databases (no rsID available, gnomAD 0.006%). This variant has not been reported in the literature in individuals affected with RPS6KC1-related conditions. ClinVar contains an entry for this variant (Variation ID: 2417986). An algorithm developed to predict the effect of missense changes on protein structure and function (PolyPhen-2) suggests that this variant is likely to be disruptive. In summary, the available evidence is currently insufficient to determine the role of this variant in disease. Therefore, it has been classified as a Variant of Uncertain Significance.